The following is an entry in ClinVar:

NM_025144.4(ALPK1):c.2620C>G (p.Leu874Val)

Gene: ALPK1 (alpha kinase 1; plus strand). Cytogenetic location: 4q25.
Variant type: single nucleotide variant.
Coding change: c.2620C>G on transcript NM_025144.4 (MANE Select); coding-DNA position 2620, C replaced by G.
Protein change: p.Leu874Val; replaces leucine 874 with valine.
Molecular consequence: missense variant.
Genome position (GRCh38, 1-based): chr4:112,432,167, C>G. VCF-style: chr4-112432167-C-G. GRCh37 (hg19) VCF-style: chr4-113353323-C-G.
Other names: c.2620C>G, p.Leu874Val (NM_001102406.2); c.2386C>G, p.Leu796Val (NM_001253884.2); short protein forms L796V, L874V.
Identifiers: ClinVar variation 2005423 (VCV002005423.4), dbSNP rs1372985236, ClinGen allele CA357900980.
Genomic context (GRCh38, chr4:112,432,167, plus strand): 5'-GAGGGGCAACTGCTCGACAGCATGGATGTTCCCTGCACAAATGGGCACGGCTCTCATAGA[C>G]TGTGCATTCTGAGACAGCCGCCTGGTCAGAGGGCGGAGACCCCCAATTCCTCTGTAAGCG-3'
Protein context (NP_079420.3, residues 864-884): PCTNGHGSHR[Leu874Val]CILRQPPGQR

ClinVar aggregate classification (germline): Uncertain significance (1 of 4 stars; one submission).

gnomAD v4.1: 1 of 1,614,218 alleles (0.000062%); highest among the groups gnomAD compares: Admixed American, 0.0017%; no homozygotes.

Submission:

Labcorp Genetics (formerly Invitae), Labcorp
Classification: Uncertain significance. Last evaluated: 2022-08-19. Review status: criteria provided, single submitter. Criteria: Invitae Variant Classification Sherloc (09022015). Collection method: clinical testing. Allele origin: germline.
Comment: This variant is not present in population databases (gnomAD no frequency). This variant has not been reported in the literature in individuals affected with ALPK1-related conditions. Algorithms developed to predict the effect of missense changes on protein structure and function (SIFT, PolyPhen-2, Align-GVGD) all suggest that this variant is likely to be tolerated. In summary, the available evidence is currently insufficient to determine the role of this variant in disease. Therefore, it has been classified as a Variant of Uncertain Significance. This sequence change replaces leucine, which is neutral and non-polar, with valine, which is neutral and non-polar, at codon 874 of the ALPK1 protein (p.Leu874Val).